The following is an entry in ClinVar:

NM_022041.4(GAN):c.1690G>C (p.Asp564His)

Gene: GAN (gigaxonin; plus strand). Cytogenetic location: 16q23.2.
Variant type: single nucleotide variant.
Coding change: c.1690G>C on transcript NM_022041.4 (MANE Select); coding-DNA position 1690, G replaced by C.
Protein change: p.Asp564His; replaces aspartic acid 564 with histidine.
Molecular consequence: missense variant.
Genome position (GRCh38, 1-based): chr16:81,377,492, G>C. VCF-style: chr16-81377492-G-C. GRCh37 (hg19) VCF-style: chr16-81411097-G-C.
Other names: c.1051G>C, p.Asp351His (NM_001377486.1); short protein forms D564H, D351H.
Identifiers: ClinVar variation 1435839 (VCV001435839.8), dbSNP rs755259336, ClinGen allele CA396892418.

ClinVar aggregate classification (germline): Uncertain significance (1 of 4 stars; one submission).

Conditions:
Giant axonal neuropathy 1 (GAN1). Also called: GIANT AXONAL NEUROPATHY 1, AUTOSOMAL RECESSIVE; GAN-Related Neurodegeneration. Identifiers: Orphanet 643, MedGen C1850386, MONDO:0009749, OMIM 256850.

gnomAD v4.1: 2 of 1,614,088 alleles (0.00012%); highest among the groups gnomAD compares: East Asian, 0.0045%; no homozygotes.

Submission:

Labcorp Genetics (formerly Invitae), Labcorp
Classification: Uncertain significance for Giant axonal neuropathy 1. Last evaluated: 2021-05-17. Review status: criteria provided, single submitter. Criteria: Invitae Variant Classification Sherloc (09022015). Collection method: clinical testing. Allele origin: germline.
Comment: This variant is not present in population databases (ExAC no frequency). This variant has not been reported in the literature in individuals with GAN-related conditions. Algorithms developed to predict the effect of missense changes on protein structure and function are either unavailable or do not agree on the potential impact of this missense change (SIFT: "Tolerated"; PolyPhen-2: "Probably Damaging"; Align-GVGD: "Class C0"). In summary, the available evidence is currently insufficient to determine the role of this variant in disease. Therefore, it has been classified as a Variant of Uncertain Significance. This sequence change replaces aspartic acid with histidine at codon 564 of the GAN protein (p.Asp564His). The aspartic acid residue is moderately conserved and there is a moderate physicochemical difference between aspartic acid and histidine.